The following is an entry in ClinVar:

NM_001009944.3(PKD1):c.3548C>T (p.Ser1183Leu)

Gene: PKD1 (polycystin 1, transient receptor potential channel interacting; minus strand). Cytogenetic location: 16p13.3.
Variant type: single nucleotide variant.
Coding change: c.3548C>T on transcript NM_001009944.3 (MANE Select); coding-DNA position 3548, C replaced by T.
Protein change: p.Ser1183Leu; replaces serine 1183 with leucine.
Molecular consequence: missense variant.
Genome position (GRCh38, 1-based): chr16:2,111,619, G>A on the plus strand (C>T on the coding strand, the complement: PKD1 is on the minus strand). VCF-style: chr16-2111619-G-A. GRCh37 (hg19) VCF-style: chr16-2161620-G-A.
Other names: c.3548C>T, p.Ser1183Leu (NM_000296.4); c.3548C>T (NM_001009944.2); short protein forms S1183L.
Identifiers: ClinVar variation 1206339 (VCV001206339.37), dbSNP rs551162125, ClinGen allele CA7832730.

ClinVar aggregate classification (germline): Conflicting classifications of pathogenicity. Review status: criteria provided, conflicting classifications (1 of 4 stars). 6 submissions from 6 submitters: Uncertain significance (1); Likely benign (2). 3 of the submissions do not count toward it. Last evaluated 2024-10-17.

Conditions:
Polycystic kidney disease, adult type (PKD1). Also called: POLYCYSTIC KIDNEY DISEASE 1 WITH OR WITHOUT POLYCYSTIC LIVER DISEASE; Polycystic Kidney, Autosomal Dominant; Polycystic Kidney Disease 1, Autosomal Dominant; Polycystic kidney disease 1; Polycystic kidney disease 1, severe; POLYCYSTIC KIDNEY DISEASE, ADULT, TYPE I. Identifiers: MedGen C3149841, MONDO:0008263, OMIM 173900.
PKD1-related disorder. Also called: PKD1-related condition.

gnomAD v4.1: 97 of 1,574,586 alleles (0.0062%); highest among the groups gnomAD compares: South Asian, 0.01%; no homozygotes.

Submissions (6):

Department of Pathology and Laboratory Medicine, Sinai Health System
Classification: Uncertain significance for Polycystic kidney disease, adult type. Last evaluated: 2024-10-17. Review status: criteria provided, single submitter. Criteria: ACMG Guidelines, 2015. Collection method: clinical testing. Allele origin: germline.

Blueprint Genetics
Classification: Likely benign. Last evaluated: 2023-01-20. Review status: criteria provided, single submitter. Criteria: ACMG Guidelines, 2015. Collection method: clinical testing. Allele origin: germline.

CeGaT Center for Human Genetics Tuebingen
Classification: Likely benign. Last evaluated: 2022-07-01. Review status: criteria provided, single submitter. Criteria: CeGaT Center For Human Genetics Tuebingen Variant Classification Criteria Version 2. Collection method: clinical testing. Allele origin: germline. Affected: yes. Observed: 1 variant allele.
Comment: PKD1: BP4, BP5

PreventionGenetics, part of Exact Sciences
Classification: Uncertain significance for PKD1-related condition. Last evaluated: 2023-12-21. Review status: no assertion criteria provided. Collection method: clinical testing. Allele origin: germline. Not counted in ClinVar's aggregate classification.
Comment: The PKD1 c.3548C>T variant is predicted to result in the amino acid substitution p.Ser1183Leu. To our knowledge, this variant has not been reported in the literature. This variant is reported in 0.012% of alleles in individuals of South Asian descent in gnomAD. Although we suspect this variant could be benign, at this time, the clinical significance of this variant is uncertain due to the absence of conclusive functional and genetic evidence.

Joint Genome Diagnostic Labs from Nijmegen and Maastricht, Radboudumc and MUMC+
Classification: Likely benign. Review status: no assertion criteria provided. Collection method: clinical testing. Allele origin: germline. Affected: yes. Study: VKGL Data-share Consensus. Not counted in ClinVar's aggregate classification.

Laboratory of Diagnostic Genome Analysis, Leiden University Medical Center (LUMC)
Classification: Likely benign. Review status: no assertion criteria provided. Collection method: clinical testing. Allele origin: germline. Affected: yes. Study: VKGL Data-share Consensus. Not counted in ClinVar's aggregate classification.